The following is an entry in ClinVar:

NM_004319.3(ASTN1):c.3878A>G (p.Glu1293Gly)

Gene: ASTN1 (astrotactin 1; minus strand). Cytogenetic location: 1q25.2.
Variant type: single nucleotide variant.
Coding change: c.3878A>G on transcript NM_004319.3 (MANE Select); coding-DNA position 3878, A replaced by G.
Protein change: p.Glu1293Gly; replaces glutamic acid 1293 with glycine.
Molecular consequence: missense variant. On other transcripts: intron variant (1).
Genome position (GRCh38, 1-based): chr1:176,864,291, T>C on the plus strand (A>G on the coding strand, the complement: ASTN1 is on the minus strand). VCF-style: chr1-176864291-T-C. GRCh37 (hg19) VCF-style: chr1-176833427-T-C.
Other names: c.3902A>G, p.Glu1301Gly (NM_001364856.2); c.3647+4553A>G (NM_001286164.2); c.3902A>G (NM_001364856.1); short protein forms E1293G, E1301G.
Identifiers: ClinVar variation 2639585 (VCV002639585.25), dbSNP rs61756323, ClinGen allele CA1258439.

ClinVar aggregate classification (germline): Likely benign. Review status: criteria provided, single submitter (1 of 4 stars). 2 submissions from 2 submitters: Likely benign (1). 1 of the submissions does not count toward it. Last evaluated 2024-12-01.

Conditions:
ASTN1-related disorder. Also called: ASTN1-related condition.

Allele frequency attached by ClinVar (database versions not stated): 1000 Genomes Project 30x 0.00062; 1000 Genomes Project 0.00080; ESP Exome Variant Server 0.00323.
gnomAD v4.1: 5,371 of 1,613,990 alleles (0.33%); highest among the groups gnomAD compares: Non-Finnish European, 0.4%; 22 homozygotes.

Submissions (2):

CeGaT Center for Human Genetics Tuebingen
Classification: Likely benign. Last evaluated: 2024-12-01. Review status: criteria provided, single submitter. Criteria: CeGaT Center For Human Genetics Tuebingen Variant Classification Criteria Version 2. Collection method: clinical testing. Allele origin: germline. Affected: yes. Observed: 2 variant alleles.
Comment: ASTN1: BP4, BS2

PreventionGenetics, part of Exact Sciences
Classification: Likely benign for ASTN1-related condition. Last evaluated: 2020-07-13. Review status: no assertion criteria provided. Collection method: clinical testing. Allele origin: germline. Not counted in ClinVar's aggregate classification.
Comment: This variant is classified as likely benign based on ACMG/AMP sequence variant interpretation guidelines (Richards et al. 2015 PMID: 25741868, with internal and published modifications).